The following is an entry in ClinVar:

ClinVar aggregate classification (germline): Uncertain significance (1 of 4 stars; one submission).

Submission:

CeGaT Center for Human Genetics Tuebingen
Classification: Uncertain significance. Last evaluated: 2024-08-01. Review status: criteria provided, single submitter. Criteria: CeGaT Center For Human Genetics Tuebingen Variant Classification Criteria Version 2. Collection method: clinical testing. Allele origin: germline. Affected: yes. Observed: 1 variant allele.
Comment: ARHGEF10: PM2

NM_014629.4(ARHGEF10):c.2974T>C (p.Phe992Leu)

Gene: ARHGEF10 (Rho guanine nucleotide exchange factor 10; plus strand). Cytogenetic location: 8p23.3.
Variant type: single nucleotide variant.
Coding change: c.2974T>C on transcript NM_014629.4 (MANE Select); coding-DNA position 2974, T replaced by C.
Protein change: p.Phe992Leu; replaces phenylalanine 992 with leucine.
Molecular consequence: missense variant.
Genome position (GRCh38, 1-based): chr8:1,929,338, T>C. VCF-style: chr8-1929338-T-C. GRCh37 (hg19) VCF-style: chr8-1877504-T-C.
Other names: c.2860T>C, p.Phe954Leu (NM_001308152.2); c.2974T>C, p.Phe992Leu (NM_001308153.3); short protein forms F1016L, F954L, F992L.
Identifiers: ClinVar variation 3342146 (VCV003342146.16).
Genomic context (GRCh38, chr8:1,929,338, plus strand): 5'-TCTTAAAGCATTTCCATTTATAAAAGCAGTCAAGGCTCCAAGAAAGTGAGACTTCAGCAC[T>C]TTTTCACTCCTGAGAAGTCCACAGTCATGAGCCTGGCTTGCACGTCTCAGAGCCTGTACG-3'
Protein context (NP_055444.2, residues 982-1002): QGSKKVRLQH[Phe992Leu]FTPEKSTVMS